The following is an entry in ClinVar:

ClinVar aggregate classification (germline): Uncertain significance. Review status: criteria provided, multiple submitters, no conflicts (2 of 4 stars). 2 submissions from 2 submitters: Uncertain significance (2). Last evaluated 2025-03-12.

Conditions:
FASLG-related disorder. Also called: FASLG-related condition.

Allele frequency attached by ClinVar (database versions not stated): gnomAD 0.00001; TOPMed 0.00001.
gnomAD v4.1: 1 of 1,614,082 alleles (0.000062%); highest among the groups gnomAD compares: African/African-American, 0.0013%; no homozygotes.

Submissions (2):

PreventionGenetics, part of Exact Sciences
Classification: Uncertain significance for FASLG-related condition. Last evaluated: 2025-03-12. Review status: criteria provided, single submitter. Criteria: ACMG Guidelines, 2015. Collection method: clinical testing. Allele origin: germline.
Comment: The FASLG c.31C>G variant is predicted to result in the amino acid substitution p.Gln11Glu. To our knowledge, this variant has not been reported in the literature or in a large population database (gnomAD), indicating this variant is rare. At this time, the clinical significance of this variant is uncertain due to the absence of conclusive functional and genetic evidence.

Ambry Genetics
Classification: Uncertain significance. Last evaluated: 2024-01-03. Review status: criteria provided, single submitter. Criteria: Ambry Variant Classification Scheme 2023. Collection method: clinical testing. Allele origin: germline.

NM_000639.3(FASLG):c.31C>G (p.Gln11Glu)

Gene: FASLG (Fas ligand; plus strand). Cytogenetic location: 1q24.3.
Variant type: single nucleotide variant.
Coding change: c.31C>G on transcript NM_000639.3 (MANE Select); coding-DNA position 31, C replaced by G.
Protein change: p.Gln11Glu; replaces glutamine 11 with glutamic acid.
Molecular consequence: missense variant.
Genome position (GRCh38, 1-based): chr1:172,659,232, C>G. VCF-style: chr1-172659232-C-G. GRCh37 (hg19) VCF-style: chr1-172628372-C-G.
Other names: c.31C>G, p.Gln11Glu (NM_001302746.2); c.31C>G (NM_000639.2); short protein forms Q11E.
Identifiers: ClinVar variation 3092927 (VCV003092927.2), dbSNP rs930084567, ClinGen allele CA32978954.